The following is an entry in ClinVar:

ClinVar aggregate classification (germline): Uncertain significance (1 of 4 stars; one submission).

Submission:

GeneDx
Classification: Uncertain significance. Last evaluated: 2026-04-17. Review status: criteria provided, single submitter. Criteria: GeneDx Variant Classification Process June 2021. Collection method: clinical testing. Allele origin: germline.
Comment: Not observed at significant frequency in large population cohorts (gnomAD); In silico analysis does not support a benign or deleterious effect of this variant on protein structure/function; Has not been previously published as pathogenic or benign to our knowledge

NM_001372044.2(SHANK3):c.4852C>G (p.Leu1618Val)

Gene: SHANK3 (SH3 and multiple ankyrin repeat domains 3; plus strand). Cytogenetic location: 22q13.33.
Variant type: single nucleotide variant.
Coding change: c.4852C>G on transcript NM_001372044.2 (MANE Select); coding-DNA position 4852, C replaced by G.
Protein change: p.Leu1618Val; replaces leucine 1618 with valine.
Molecular consequence: missense variant.
Genome position (GRCh38, 1-based): chr22:50,730,743, C>G. VCF-style: chr22-50730743-C-G. GRCh37 (hg19) VCF-style: chr22-51169171-C-G.
Other names: c.4627C>G (NM_033517.1); short protein forms L1618V.
Identifiers: ClinVar variation 5037380 (VCV005037380.1).
Genomic context (GRCh38, chr22:50,730,743, plus strand): 5'-GCGCCCCTCACCTGGCGCTGACCCCTCTCCCTCCGCAGGCTCTTCAGCAGCCTCGGTGAG[C>G]TGAGCTCCATTTCAGCGCAGCGCAGCCCCGGGGGCCCGGGCGGCGGGGCCTCGTACTCGG-3'
Protein context (NP_001358973.1, residues 1608-1628): AARLFSSLGE[Leu1618Val]SSISAQRSPG